The following is an entry in ClinVar:

NM_000138.5(FBN1):c.7693del (p.Cys2565fs)

Gene: FBN1 (fibrillin 1; minus strand). Cytogenetic location: 15q21.1.
Variant type: Deletion.
Coding change: c.7693del on transcript NM_000138.5 (MANE Select); coding-DNA position 7693, one base deleted (T; older notation c.7693delT).
Protein change: p.Cys2565fs; shifts the reading frame from cysteine 2565.
Molecular consequence: frameshift variant.
Genome position (GRCh38, 1-based): chr15:48,421,564, A deleted on the plus strand (T on the coding strand, the reverse complement: FBN1 is on the minus strand). VCF-style (leftmost placement, unchanged base first): chr15-48421563-CA-C. GRCh37 (hg19) VCF-style: chr15-48713760-CA-C.
Other names: c.7693delT, p.Cys2565Valfs (NM_000138.4); c.7693del, p.Cys2565fs (NM_001406716.1); short protein forms C2565fs.
Identifiers: ClinVar variation 1325456 (VCV001325456.4), dbSNP rs2141221743, ClinGen allele CA2573150971.

ClinVar aggregate classification (germline): Pathogenic/Likely pathogenic. Review status: criteria provided, multiple submitters, no conflicts (2 of 4 stars). 3 submissions from 3 submitters: Pathogenic (2); Likely pathogenic (1). Last evaluated 2026-01-25.

Conditions:
Marfan syndrome (MFS). Also called: Marfan syndrome type 1; Marfan's syndrome; FBN1-Related Marfan Syndrome; MARFAN SYNDROME, TYPE I; Marfan syndrome, classic. Identifiers: Orphanet 284963, Orphanet 558, MedGen C0024796, MONDO:0007947, OMIM 154700.
Familial thoracic aortic aneurysm and aortic dissection (TAAD). Also called: Thoracic aortic aneurysms and dissections. Identifiers: Orphanet 91387, MedGen C4707243, MONDO:0019625.

Submissions (3):

Labcorp Genetics (formerly Invitae), Labcorp
Classification: Pathogenic for Marfan syndrome; Familial thoracic aortic aneurysm and aortic dissection. Last evaluated: 2026-01-25. Review status: criteria provided, single submitter. Criteria: Invitae Variant Classification Sherloc (09022015). Collection method: clinical testing. Allele origin: germline.
Comment: This sequence change creates a premature translational stop signal (p.Cys2565Valfs*117) in the FBN1 gene. It is expected to result in an absent or disrupted protein product. Loss-of-function variants in FBN1 are known to be pathogenic (PMID: 17657824, 19293843). This variant is not present in population databases (gnomAD no frequency). This premature translational stop signal has been observed in individual(s) with clinical features of FBN1 related conditions (PMID: 35058154). ClinVar contains an entry for this variant (Variation ID: 1325456). For these reasons, this variant has been classified as Pathogenic.

Neuberg Centre For Genomic Medicine, NCGM
Classification: Likely pathogenic for Marfan syndrome. Last evaluated: 2023-06-22. Review status: criteria provided, single submitter. Criteria: ACMG Guidelines, 2015. Collection method: clinical testing. Allele origin: germline. Inheritance: Autosomal dominant inheritance. Affected: yes.
Comment: The observed frameshift variant c.7693del(p.Cys2565ValfsTer117) in the FBN1 gene has not been reported previously as a pathogenic variant nor as a benign variant, to our knowledge. This variant is absent in the gnomAD Exomes. This variant causes a frameshift starting with codon Cysteine 2565, changes this amino acid to Valine residue, and creates a premature Stop codon at position 117 of the new reading frame, denoted p.Cys2565ValfsTer117. This variant is predicted to cause loss of normal protein function through protein truncation. Loss of function variants have been previously reported to be disease causing (Jacquinet A, et al., 2014). For these reasons, this variant has been classified as Likely Pathogenic.

Centre of Medical Genetics, University of Antwerp
Classification: Pathogenic for Marfan syndrome. Last evaluated: 2021-03-01. Review status: criteria provided, single submitter. Criteria: Submitter's publication. Collection method: research. Allele origin: unknown. Affected: yes.
Comment: PM2, PVS1, PP4

Literature cited by the submitters: PubMed 17657824 (cited by Labcorp Genetics (formerly Invitae), Labcorp); PubMed 19293843 (cited by Labcorp Genetics (formerly Invitae), Labcorp); PubMed 35058154 (cited by Labcorp Genetics (formerly Invitae), Labcorp).